The following is an entry in ClinVar:

NM_005591.4(MRE11):c.1724G>T (p.Gly575Val)

Gene: MRE11 (MRE11 double strand break repair nuclease; minus strand). Cytogenetic location: 11q21.
Variant type: single nucleotide variant.
Coding change: c.1724G>T on transcript NM_005591.4 (MANE Select); coding-DNA position 1724, G replaced by T.
Protein change: p.Gly575Val; replaces glycine 575 with valine.
Molecular consequence: missense variant.
Genome position (GRCh38, 1-based): chr11:94,447,278, C>A on the plus strand (G>T on the coding strand, the complement: MRE11 is on the minus strand). VCF-style: chr11-94447278-C-A. GRCh37 (hg19) VCF-style: chr11-94180444-C-A.
Other names: c.1724G>T, p.Gly575Val (NM_001330347.2, NM_005590.4); short protein forms G575V.
Identifiers: ClinVar variation 141492 (VCV000141492.17), dbSNP rs376555330, ClinGen allele CA333210.

ClinVar aggregate classification (germline): Uncertain significance. Review status: criteria provided, multiple submitters, no conflicts (2 of 4 stars). 4 submissions from 4 submitters: Uncertain significance (4). Last evaluated 2024-05-27.

Conditions:
Ataxia-telangiectasia-like disorder (ATLD). Identifiers: MedGen C1858391, MONDO:0011457.
Hereditary cancer-predisposing syndrome. Also called: Neoplastic Syndromes, Hereditary; Tumor predisposition; Hereditary Cancer Syndrome; Hereditary neoplastic syndrome. Identifiers: Orphanet 140162, MedGen C0027672, MeSH D009386, MONDO:0015356.
Ataxia-telangiectasia-like disorder 1 (ATLD1). Identifiers: Orphanet 251347, MedGen C4012790, MONDO:0024557, OMIM 604391.

Allele frequency attached by ClinVar (database versions not stated): TOPMed 0.00001.
gnomAD v4.1: 44 of 1,613,986 alleles (0.0027%); highest among the groups gnomAD compares: Non-Finnish European, 0.0036%; no homozygotes.

Submissions (4):

Ambry Genetics
Classification: Uncertain significance for Hereditary cancer-predisposing syndrome. Last evaluated: 2024-05-27. Review status: criteria provided, single submitter. Criteria: Ambry Variant Classification Scheme 2023. Collection method: clinical testing. Allele origin: germline.
Comment: The p.G575V variant (also known as c.1724G>T), located in coding exon 14 of the MRE11A gene, results from a G to T substitution at nucleotide position 1724. The glycine at codon 575 is replaced by valine, an amino acid with dissimilar properties. This amino acid position is highly conserved in available vertebrate species. In addition, the in silico prediction for this alteration is inconclusive. Based on the available evidence, the clinical significance of this variant remains unclear.

Labcorp Genetics (formerly Invitae), Labcorp
Classification: Uncertain significance for Ataxia-telangiectasia-like disorder. Last evaluated: 2024-02-05. Review status: criteria provided, single submitter. Criteria: Invitae Variant Classification Sherloc (09022015). Collection method: clinical testing. Allele origin: germline.
Comment: This sequence change replaces glycine, which is neutral and non-polar, with valine, which is neutral and non-polar, at codon 575 of the MRE11 protein (p.Gly575Val). This variant is present in population databases (rs376555330, gnomAD 0.004%). This variant has not been reported in the literature in individuals affected with MRE11-related conditions. ClinVar contains an entry for this variant (Variation ID: 141492). An algorithm developed to predict the effect of missense changes on protein structure and function (PolyPhen-2) suggests that this variant is likely to be disruptive. In summary, the available evidence is currently insufficient to determine the role of this variant in disease. Therefore, it has been classified as a Variant of Uncertain Significance.

Athena Diagnostics
Classification: Uncertain significance. Last evaluated: 2021-05-27. Review status: criteria provided, single submitter. Criteria: Athena Diagnostics criteria. Collection method: clinical testing. Allele origin: unknown.

Illumina Laboratory Services, Illumina
Classification: Uncertain significance for Ataxia-telangiectasia-like disorder 1. Last evaluated: 2018-01-12. Review status: criteria provided, single submitter. Criteria: ICSL Variant Classification Criteria 13 December 2019. Collection method: clinical testing. Allele origin: germline.